The following is an entry in ClinVar:

NM_016070.4(MRPS23):c.241G>A (p.Gly81Ser)

Gene: MRPS23 (mitochondrial ribosomal protein S23; minus strand). Cytogenetic location: 17q22.
Variant type: single nucleotide variant.
Coding change: c.241G>A on transcript NM_016070.4 (MANE Select); coding-DNA position 241, G replaced by A.
Protein change: p.Gly81Ser; replaces glycine 81 with serine.
Molecular consequence: missense variant.
Genome position (GRCh38, 1-based): chr17:57,841,235, C>T on the plus strand (G>A on the coding strand, the complement: MRPS23 is on the minus strand). VCF-style: chr17-57841235-C-T. GRCh37 (hg19) VCF-style: chr17-55918596-C-T.
Other names: short protein forms G81S.
Identifiers: ClinVar variation 3352127 (VCV003352127.1).

ClinVar aggregate classification (germline): Likely benign (0 of 4 stars; one submission).

Conditions:
MRPS23-related disorder. Also called: MRPS23-related condition.

gnomAD v4.1: 438 of 1,614,022 alleles (0.027%); highest among the groups gnomAD compares: East Asian, 0.9%; 3 homozygotes.

Submission:

PreventionGenetics, part of Exact Sciences
Classification: Likely benign for MRPS23-related condition. Last evaluated: 2024-07-09. Review status: no assertion criteria provided. Collection method: clinical testing. Allele origin: germline.
Comment: This variant is classified as likely benign based on ACMG/AMP sequence variant interpretation guidelines (Richards et al. 2015 PMID: 25741868, with internal and published modifications).